The following is an entry in ClinVar:

NM_018012.4(KIF26B):c.5324C>G (p.Pro1775Arg)

Gene: KIF26B (kinesin family member 26B; plus strand). Cytogenetic location: 1q44.
Variant type: single nucleotide variant.
Coding change: c.5324C>G on transcript NM_018012.4 (MANE Select); coding-DNA position 5324, C replaced by G.
Protein change: p.Pro1775Arg; replaces proline 1775 with arginine.
Molecular consequence: missense variant.
Genome position (GRCh38, 1-based): chr1:245,688,307, C>G. VCF-style: chr1-245688307-C-G. GRCh37 (hg19) VCF-style: chr1-245851609-C-G.
Other names: short protein forms P1775R.
Identifiers: ClinVar variation 3056395 (VCV003056395.2), dbSNP rs150834033, ClinGen allele CA1488660.

ClinVar aggregate classification (germline): Benign (0 of 4 stars; one submission).

Conditions:
KIF26B-related disorder. Also called: KIF26B-related condition.

Allele frequency attached by ClinVar (database versions not stated): 1000 Genomes Project 0.01398; 1000 Genomes Project 30x 0.01562; ESP Exome Variant Server 0.02407.
gnomAD v4.1: 58,646 of 1,595,550 alleles (3.7%); highest among the groups gnomAD compares: Non-Finnish European, 4.3%; 1,308 homozygotes.

Submission:

PreventionGenetics, part of Exact Sciences
Classification: Benign for KIF26B-related condition. Last evaluated: 2019-04-08. Review status: no assertion criteria provided. Collection method: clinical testing. Allele origin: germline.
Comment: This variant is classified as benign based on ACMG/AMP sequence variant interpretation guidelines (Richards et al. 2015 PMID: 25741868, with internal and published modifications).